The following is an entry in ClinVar:

ClinVar aggregate classification (germline): Likely benign. Review status: criteria provided, multiple submitters, no conflicts (2 of 4 stars). 3 submissions from 3 submitters: Likely benign (3). Last evaluated 2025-10-20.

Conditions:
Autosomal recessive limb-girdle muscular dystrophy type 2Q (LGMDR17). Also called: MUSCULAR DYSTROPHY, LIMB-GIRDLE, AUTOSOMAL RECESSIVE 17. Identifiers: Orphanet 254361, MedGen C3150989, MONDO:0013390, OMIM 613723.
Epidermolysis bullosa simplex 5C, with pyloric atresia (EBS5C). Also called: PLEC1-Related Epidermolysis Bullosa with Pyloric Atresia; PLEC-Related Epidermolysis Bullosa with Pyloric Atresia; Epidermolysis bullosa simplex with pyloric atresia. Identifiers: Orphanet 158684, MedGen C2677349, MONDO:0012807, OMIM 612138.
Epidermolysis bullosa simplex with nail dystrophy (EBS5D). Identifiers: MedGen C4225309, MONDO:0014661, OMIM 616487.
Epidermolysis bullosa simplex, Ogna type (EBS5A). Also called: Pidermolysis bullosa simplex 5A, Ogna type; EPIDERMOLYSIS BULLOSA SIMPLEX 5A, OGNA TYPE. Identifiers: Orphanet 79401, MedGen C0432317, MONDO:0007555, OMIM 131950.
Epidermolysis bullosa simplex 5B, with muscular dystrophy (EBS5B). Also called: Epidermolysis bullosa simplex with muscular dystrophy; EPIDERMOLYSIS BULLOSA SIMPLEX AND LIMB-GIRDLE MUSCULAR DYSTROPHY. Identifiers: Orphanet 257, MedGen C2931072, MONDO:0009181, OMIM 226670.

Allele frequency attached by ClinVar (database versions not stated): gnomAD exomes 0.00003 and 0.00006; TOPMed 0.00006; ExAC 0.00007; gnomAD 0.00007 and 0.00008.

Submissions (3):

Labcorp Genetics (formerly Invitae), Labcorp
Classification: Likely benign for Autosomal recessive limb-girdle muscular dystrophy type 2Q; Epidermolysis bullosa simplex, Ogna type; Epidermolysis bullosa simplex with nail dystrophy; Epidermolysis bullosa simplex 5C, with pyloric atresia; Epidermolysis bullosa simplex 5B, with muscular dystrophy. Last evaluated: 2025-10-20. Review status: criteria provided, single submitter. Criteria: Invitae Variant Classification Sherloc (09022015). Collection method: clinical testing. Allele origin: germline.

Blueprint Genetics
Classification: Likely benign. Last evaluated: 2022-03-28. Review status: criteria provided, single submitter. Criteria: ACMG Guidelines, 2015. Collection method: clinical testing. Allele origin: germline.

GeneDx
Classification: Likely benign. Last evaluated: 2016-08-29. Review status: criteria provided, single submitter. Criteria: GeneDx Variant Classification (06012015). Collection method: clinical testing. Allele origin: germline. Affected: yes.
Comment: This variant is considered likely benign or benign based on one or more of the following criteria: it is a conservative change, it occurs at a poorly conserved position in the protein, it is predicted to be benign by multiple in silico algorithms, and/or has population frequency not consistent with disease.

NM_201384.3(PLEC):c.9516G>A (p.Ser3172=)

Gene: PLEC (plectin; minus strand). Cytogenetic location: 8q24.3.
Variant type: single nucleotide variant.
Coding change: c.9516G>A on transcript NM_201384.3 (MANE Select); coding-DNA position 9516, G replaced by A.
Protein change: p.Ser3172=; no amino-acid change (serine 3172 retained).
Molecular consequence: synonymous variant.
Genome position (GRCh38, 1-based): chr8:143,920,305, C>T on the plus strand (G>A on the coding strand, the complement: PLEC is on the minus strand). VCF-style: chr8-143920305-C-T. GRCh37 (hg19) VCF-style: chr8-144994473-C-T.
Other names: c.9597G>A, p.Ser3199= (NM_000445.5); c.9474G>A, p.Ser3158= (NM_201378.4); c.9450G>A, p.Ser3150= (NM_201379.3); c.9927G>A, p.Ser3309= (NM_201380.4); c.9420G>A, p.Ser3140= (NM_201381.3); c.9516G>A, p.Ser3172= (NM_201382.4); c.9528G>A, p.Ser3176= (NM_201383.3).
Identifiers: ClinVar variation 388600 (VCV000388600.10), dbSNP rs782474875, ClinGen allele CA4924949.